The following is an entry in ClinVar:

ClinVar aggregate classification (germline): Uncertain significance (1 of 4 stars; one submission).

Conditions:
Gingival disorder. Also called: Gingival disease. Identifiers: MedGen C0017563, MONDO:0002021.

Allele frequency attached by ClinVar (database versions not stated): ExAC 0.00001; gnomAD exomes 0.00002; gnomAD 0.00008 and 0.00010; TOPMed 0.00009; ESP Exome Variant Server 0.00015.

Submission:

Labcorp Genetics (formerly Invitae), Labcorp
Classification: Uncertain significance for Gingival disorder. Last evaluated: 2023-07-17. Review status: criteria provided, single submitter. Criteria: Invitae Variant Classification Sherloc (09022015). Collection method: clinical testing. Allele origin: germline.
Comment: In summary, the available evidence is currently insufficient to determine the role of this variant in disease. Therefore, it has been classified as a Variant of Uncertain Significance. Algorithms developed to predict the effect of missense changes on protein structure and function output the following: SIFT: "Not Available"; PolyPhen-2: "Possibly Damaging"; Align-GVGD: "Not Available". The glutamine amino acid residue is found in multiple mammalian species, which suggests that this missense change does not adversely affect protein function. ClinVar contains an entry for this variant (Variation ID: 1364000). This variant has not been reported in the literature in individuals affected with FPR1-related conditions. This variant is present in population databases (rs145808420, gnomAD 0.02%). This sequence change replaces arginine, which is basic and polar, with glutamine, which is neutral and polar, at codon 54 of the FPR1 protein (p.Arg54Gln).

NM_002029.4(FPR1):c.161G>A (p.Arg54Gln)

Gene: FPR1 (formyl peptide receptor 1; minus strand). Cytogenetic location: 19q13.41.
Variant type: single nucleotide variant.
Coding change: c.161G>A on transcript NM_002029.4 (MANE Select); coding-DNA position 161, G replaced by A.
Protein change: p.Arg54Gln; replaces arginine 54 with glutamine.
Molecular consequence: missense variant.
Genome position (GRCh38, 1-based): chr19:51,746,834, C>T on the plus strand (G>A on the coding strand, the complement: FPR1 is on the minus strand). VCF-style: chr19-51746834-C-T. GRCh37 (hg19) VCF-style: chr19-52250087-C-T.
Other names: c.161G>A, p.Arg54Gln (NM_001193306.2); short protein forms R54Q.
Identifiers: ClinVar variation 1364000 (VCV001364000.8), dbSNP rs145808420, ClinGen allele CA9616516.